The following is an entry in ClinVar:

NM_002907.4(RECQL):c.1868T>C (p.Phe623Ser)

Genes: PYROXD1 (pyridine nucleotide-disulphide oxidoreductase domain 1; plus strand), RECQL (RecQ like helicase; minus strand). Cytogenetic location: 12p12.1.
Variant type: single nucleotide variant.
Coding change: c.1868T>C on transcript NM_002907.4 (MANE Select); coding-DNA position 1868, T replaced by C.
Protein change: p.Phe623Ser; replaces phenylalanine 623 with serine.
Molecular consequence: missense variant. On other transcripts: 3 prime UTR variant (3).
Genome position (GRCh38, 1-based): chr12:21,470,276, A>G on the plus strand (T>C on the coding strand, the complement: RECQL is on the minus strand). VCF-style: chr12-21470276-A-G. GRCh37 (hg19) VCF-style: chr12-21623210-A-G.
Other names: c.1868T>C, p.Phe623Ser (NM_032941.3); c.*1522A>G (NM_001350912.2, NM_001350913.2, NM_024854.5); short protein forms F623S.
Identifiers: ClinVar variation 4533061 (VCV004533061.1).

ClinVar aggregate classification (germline): Uncertain significance (1 of 4 stars; one submission).

Submission:

Quest Diagnostics Nichols Institute San Juan Capistrano
Classification: Uncertain significance. Last evaluated: 2025-01-20. Review status: criteria provided, single submitter. Criteria: Quest Diagnostics criteria. Collection method: clinical testing. Allele origin: unknown.
Comment: The RECQL c.1868T>C (p.Phe623Ser) variant has not been reported in individuals with RECQL-related conditions in the published literature. It also has not been reported in large, multi-ethnic general populations (Genome Aggregation Database). Analysis of this variant using bioinformatics tools for the prediction of the effect of amino acid changes on protein structure and function yielded predictions that this variant is benign. Based on the available information, we are unable to determine the clinical significance of this variant.